The following is an entry in ClinVar:

ClinVar aggregate classification (germline): Uncertain significance (1 of 4 stars; one submission).

Conditions:
Spondylodysplastic Ehlers-Danlos syndrome. Identifiers: Orphanet 536471, Orphanet 75496, MedGen C5680154, MONDO:0007526.

Submission:

Labcorp Genetics (formerly Invitae), Labcorp
Classification: Uncertain significance for Spondylodysplastic Ehlers-Danlos syndrome. Last evaluated: 2022-03-22. Review status: criteria provided, single submitter. Criteria: Invitae Variant Classification Sherloc (09022015). Collection method: clinical testing. Allele origin: germline.
Comment: In summary, the available evidence is currently insufficient to determine the role of this variant in disease. Therefore, it has been classified as a Variant of Uncertain Significance. Variants that disrupt the consensus splice site are a relatively common cause of aberrant splicing (PMID: 17576681, 9536098). Algorithms developed to predict the effect of sequence changes on RNA splicing suggest that this variant is not likely to affect RNA splicing. This variant has not been reported in the literature in individuals affected with B4GALT7-related conditions. This variant is not present in population databases (gnomAD no frequency). This sequence change falls in intron 4 of the B4GALT7 gene. It does not directly change the encoded amino acid sequence of the B4GALT7 protein. It affects a nucleotide within the consensus splice site.

Literature cited by the submitters: PubMed 17576681; PubMed 9536098.

NM_007255.3(B4GALT7):c.723+3G>A

Gene: B4GALT7 (beta-1,4-galactosyltransferase 7; plus strand). Cytogenetic location: 5q35.3.
Variant type: single nucleotide variant.
Coding change: c.723+3G>A on transcript NM_007255.3 (MANE Select); 3 bases into the intron after coding-DNA position 723, G replaced by A.
Molecular consequence: intron variant.
Genome position (GRCh38, 1-based): chr5:177,608,625, G>A. VCF-style: chr5-177608625-G-A. GRCh37 (hg19) VCF-style: chr5-177035626-G-A.
Identifiers: ClinVar variation 1963460 (VCV001963460.5), dbSNP rs2532539965, ClinGen allele CA2580074072.